The following is an entry in ClinVar:

ClinVar aggregate classification (germline): Likely pathogenic (1 of 4 stars; one submission).

Conditions:
Cholestasis, progressive familial intrahepatic, 12 (PFIC12). Also called: CHOLESTASIS, ISOLATED LOW-GGT. Identifiers: MedGen C5774311, MONDO:0031040, OMIM 620010.
Keratoderma-ichthyosis-deafness syndrome, autosomal recessive (KDIDAR). Identifiers: MedGen C5774200, MONDO:0859278, OMIM 620009.
Arthrogryposis, renal dysfunction, and cholestasis 1 (ARCS1). Identifiers: Orphanet 2697, MedGen C1859722, MONDO:0008822, OMIM 208085.

Submission:

Juno Genomics, Hangzhou Juno Genomics, Inc
Classification: Likely pathogenic for Arthrogryposis, renal dysfunction, and cholestasis 1; Cholestasis, progressive familial intrahepatic, 12; Keratoderma-ichthyosis-deafness syndrome, autosomal recessive. Review status: criteria provided, single submitter. Criteria: ACMG Guidelines, 2015. Collection method: clinical testing. Allele origin: germline.
Comment: Null variant in a gene where loss of function (LOF) is a known mechanism of disease.;Absent from controls (or at extremely low frequency if recessive) in Genome Aggregation Database.

NM_018668.5(VPS33B):c.29del (p.Pro10fs)

Gene: VPS33B (VPS33B late endosome and lysosome associated; minus strand). Cytogenetic location: 15q26.1.
Variant type: Deletion.
Coding change: c.29del on transcript NM_018668.5 (MANE Select); coding-DNA position 29, one base deleted (C; older notation c.29delC).
Protein change: p.Pro10fs; shifts the reading frame from proline 10.
Molecular consequence: frameshift variant. On other transcripts: 5 prime UTR variant (1).
Genome position (GRCh38, 1-based): chr15:91,022,221, G deleted on the plus strand (C on the coding strand, the reverse complement: VPS33B is on the minus strand); the first of 4 consecutive G bases (chr15:91,022,221-91,022,224); deleting any one gives the same sequence. VCF-style (leftmost placement, unchanged base first): chr15-91022220-AG-A. GRCh37 (hg19) VCF-style: chr15-91565450-AG-A.
Other names: c.29del, p.Pro10fs (NM_001289148.1); c.-183del (NM_001289149.1); short protein forms P10fs.
Identifiers: ClinVar variation 5005489 (VCV005005489.2).
Genomic context (GRCh38, chr15:91,022,220, plus strand): 5'-CAGCAGATAGATGAGCTGGTCTCGAGCCAGCCTCTTCAGCATGGAGAAGTCAGGCAGCTC[AG>A]GGGCGTCCGGCCGATGGGGAAAAGCCATGGCAGCGGTCACCTGCGCCGCGGGGTGGAAGG-3'